The following is an entry in ClinVar:

ClinVar aggregate classification (germline): Uncertain significance (1 of 4 stars; one submission).

Allele frequency attached by ClinVar (database versions not stated): gnomAD exomes 0.00002.
gnomAD v4.1: 31 of 1,613,926 alleles (0.0019%); highest among the groups gnomAD compares: Non-Finnish European, 0.0025%; no homozygotes.

Submission:

Labcorp Genetics (formerly Invitae), Labcorp
Classification: Uncertain significance. Last evaluated: 2022-07-07. Review status: criteria provided, single submitter. Criteria: Invitae Variant Classification Sherloc (09022015). Collection method: clinical testing. Allele origin: germline.
Comment: In summary, the available evidence is currently insufficient to determine the role of this variant in disease. Therefore, it has been classified as a Variant of Uncertain Significance. Algorithms developed to predict the effect of missense changes on protein structure and function are either unavailable or do not agree on the potential impact of this missense change (SIFT: "Not Available"; PolyPhen-2: "Benign"; Align-GVGD: "Not Available"). This variant has not been reported in the literature in individuals affected with IREB2-related conditions. This variant is present in population databases (no rsID available, gnomAD 0.0009%). This sequence change replaces histidine, which is basic and polar, with glutamine, which is neutral and polar, at codon 882 of the IREB2 protein (p.His882Gln).

NM_004136.4(IREB2):c.2646T>G (p.His882Gln)

Gene: IREB2 (iron responsive element binding protein 2; plus strand). Cytogenetic location: 15q25.1.
Variant type: single nucleotide variant.
Coding change: c.2646T>G on transcript NM_004136.4 (MANE Select); coding-DNA position 2646, T replaced by G.
Protein change: p.His882Gln; replaces histidine 882 with glutamine.
Molecular consequence: missense variant.
Genome position (GRCh38, 1-based): chr15:78,497,176, T>G. VCF-style: chr15-78497176-T-G. GRCh37 (hg19) VCF-style: chr15-78789518-T-G.
Other names: c.1896T>G, p.His632Gln (NM_001320941.2); c.2475T>G, p.His825Gln (NM_001320942.2, NM_001354994.2); short protein forms H632Q, H825Q, H882Q.
Identifiers: ClinVar variation 1921275 (VCV001921275.5), dbSNP rs1392078759, ClinGen allele CA393567529.
Genomic context (GRCh38, chr15:78,497,176, plus strand): 5'-TTTATTACAGGGTGTGAAAGCTGTTTTGGCCGAAAGTTATGAAAAAATACACAAAGATCA[T>G]TTGATTGGAATTGGCATAGCTCCACTTCAGTTCCTTCCAGGAGAAAATGCAGATTCCTTG-3'
Protein context (NP_004127.2, residues 872-892): AESYEKIHKD[His882Gln]LIGIGIAPLQ